The following is an entry in ClinVar:

ClinVar aggregate classification (germline): Uncertain significance. Review status: criteria provided, multiple submitters, no conflicts (2 of 4 stars). 2 submissions from 2 submitters: Uncertain significance (2). Last evaluated 2023-03-08.

Conditions:
Cardiovascular phenotype. Identifiers: MedGen CN230736.

Allele frequency attached by ClinVar (database versions not stated): gnomAD exomes below 0.00001; TOPMed below 0.00001.
gnomAD v4.1: 1 of 1,612,306 alleles (0.000062%); no homozygotes.

Submissions (2):

Ambry Genetics
Classification: Uncertain significance for Cardiovascular phenotype. Last evaluated: 2023-03-08. Review status: criteria provided, single submitter. Criteria: Ambry Variant Classification Scheme 2023. Collection method: clinical testing. Allele origin: germline.
Comment: The p.N850I variant (also known as c.2549A>T), located in coding exon 25 of the MYBPC3 gene, results from an A to T substitution at nucleotide position 2549. The asparagine at codon 850 is replaced by isoleucine, an amino acid with dissimilar properties. This amino acid position is highly conserved in available vertebrate species. In addition, the in silico prediction for this alteration is inconclusive. Since supporting evidence is limited at this time, the clinical significance of this alteration remains unclear.

GeneDx
Classification: Uncertain significance. Last evaluated: 2016-01-11. Review status: criteria provided, single submitter. Criteria: GeneDx Variant Classification (06012015). Collection method: clinical testing. Allele origin: germline. Affected: yes.
Comment: A N850I variant of uncertain significance was identified in the MYBPC3 gene. It has not been published as a pathogenic variant, nor has it been reported as a benign variant to our knowledge. The N850I variant was not observed in approximately 6,400 individuals of European and African American ancestry in the NHLBI Exome Sequencing Project, indicating it is not a common benign variant in these populations. The N850I variant is a non-conservative amino acid substitution, which is likely to impact secondary protein structure as these residues differ in polarity, charge, size and/or other properties. This substitution occurs at a position that is conserved across species. In silico analysis predicts this variant is probably damaging to the protein structure/function. Furthermore, missense variants in nearby residues (Y847H, A848E, A848V, A851V, S858N) have been reported in the Human Gene Mutation Database in association with HCM (Stenson et al., 2014).Therefore, based on the currently available information, it is unclear whether this variant is a pathogenic variant or a rare benign variant

NM_000256.3(MYBPC3):c.2549A>T (p.Asn850Ile)

Gene: MYBPC3 (myosin binding protein C3; minus strand). Cytogenetic location: 11p11.2.
Variant type: single nucleotide variant.
Coding change: c.2549A>T on transcript NM_000256.3 (MANE Select); coding-DNA position 2549, A replaced by T.
Protein change: p.Asn850Ile; replaces asparagine 850 with isoleucine.
Molecular consequence: missense variant.
Genome position (GRCh38, 1-based): chr11:47,337,444, T>A on the plus strand (A>T on the coding strand, the complement: MYBPC3 is on the minus strand). VCF-style: chr11-47337444-T-A. GRCh37 (hg19) VCF-style: chr11-47358995-T-A.
Other names: p.N850I:AAC>ATC; c.2549A>T, p.Asn850Ile (LRG_386t1); short protein forms N850I.
Identifiers: ClinVar variation 180976 (VCV000180976.4), dbSNP rs730880570, ClinGen allele CA012604.